The following is an entry in ClinVar:

NM_024642.5(GALNT12):c.270G>C (p.Glu90Asp)

Gene: GALNT12 (polypeptide N-acetylgalactosaminyltransferase 12; plus strand). Cytogenetic location: 9q22.33.
Variant type: single nucleotide variant.
Coding change: c.270G>C on transcript NM_024642.5 (MANE Select); coding-DNA position 270, G replaced by C.
Protein change: p.Glu90Asp; replaces glutamic acid 90 with aspartic acid.
Molecular consequence: missense variant.
Genome position (GRCh38, 1-based): chr9:98,807,968, G>C. VCF-style: chr9-98807968-G-C. GRCh37 (hg19) VCF-style: chr9-101570250-G-C.
Other names: short protein forms E90D.
Identifiers: ClinVar variation 1795063 (VCV001795063.2), dbSNP rs1449192444, ClinGen allele CA374222704.

ClinVar aggregate classification (germline): Uncertain significance (1 of 4 stars; one submission).

Submission:

Ambry Genetics
Classification: Uncertain significance. Last evaluated: 2022-01-12. Review status: criteria provided, single submitter. Criteria: Ambry Variant Classification Scheme 2023. Collection method: clinical testing. Allele origin: germline.
Comment: The p.E90D variant (also known as c.270G>C), located in coding exon 1 of the GALNT12 gene, results from a G to C substitution at nucleotide position 270. The glutamic acid at codon 90 is replaced by aspartic acid, an amino acid with highly similar properties. This amino acid position is conserved. In addition, this alteration is predicted to be tolerated by in silico analysis. Since supporting evidence is limited at this time, the clinical significance of this alteration remains unclear.